The following is an entry in ClinVar:

NM_001375524.1(TRRAP):c.628C>G (p.Arg210Gly)

Gene: TRRAP (transformation/transcription domain associated protein; plus strand). Cytogenetic location: 7q22.1.
Variant type: single nucleotide variant.
Coding change: c.628C>G on transcript NM_001375524.1 (MANE Select); coding-DNA position 628, C replaced by G.
Protein change: p.Arg210Gly; replaces arginine 210 with glycine.
Molecular consequence: missense variant.
Genome position (GRCh38, 1-based): chr7:98,897,861, C>G. VCF-style: chr7-98897861-C-G. GRCh37 (hg19) VCF-style: chr7-98495484-C-G.
Other names: c.628C>G, p.Arg210Gly (NM_001244580.2, NM_003496.4); short protein forms R210G.
Identifiers: ClinVar variation 2832192 (VCV002832192.3), dbSNP rs1777523443, ClinGen allele CA368279791.

ClinVar aggregate classification (germline): Uncertain significance (1 of 4 stars; one submission).

Allele frequency attached by ClinVar (database versions not stated): gnomAD 0.00001; TOPMed 0.00001.
gnomAD v4.1: 1 of 1,613,872 alleles (0.000062%); highest among the groups gnomAD compares: African/African-American, 0.0013%; no homozygotes.

Submission:

Labcorp Genetics (formerly Invitae), Labcorp
Classification: Uncertain significance. Last evaluated: 2023-12-21. Review status: criteria provided, single submitter. Criteria: Invitae Variant Classification Sherloc (09022015). Collection method: clinical testing. Allele origin: germline.
Comment: This sequence change replaces arginine, which is basic and polar, with glycine, which is neutral and non-polar, at codon 210 of the TRRAP protein (p.Arg210Gly). This variant is not present in population databases (gnomAD no frequency). This variant has not been reported in the literature in individuals affected with TRRAP-related conditions. Advanced modeling of protein sequence and biophysical properties (such as structural, functional, and spatial information, amino acid conservation, physicochemical variation, residue mobility, and thermodynamic stability) performed at Invitae indicates that this missense variant is not expected to disrupt TRRAP protein function with a negative predictive value of 80%. In summary, the available evidence is currently insufficient to determine the role of this variant in disease. Therefore, it has been classified as a Variant of Uncertain Significance.